The following is an entry in ClinVar:

ClinVar aggregate classification (germline): Uncertain significance (1 of 4 stars; one submission).

gnomAD v4.1: 20 of 1,614,072 alleles (0.0012%); highest among the groups gnomAD compares: African/African-American, 0.008%; no homozygotes.

Submission:

Labcorp Genetics (formerly Invitae), Labcorp
Classification: Uncertain significance. Last evaluated: 2024-11-19. Review status: criteria provided, single submitter. Criteria: Invitae Variant Classification Sherloc (09022015). Collection method: clinical testing. Allele origin: germline.
Comment: This sequence change replaces arginine, which is basic and polar, with cysteine, which is neutral and slightly polar, at codon 1854 of the SRCAP protein (p.Arg1854Cys). This variant is present in population databases (rs780104309, gnomAD 0.008%). This variant has not been reported in the literature in individuals affected with SRCAP-related conditions. Invitae Evidence Modeling of protein sequence and biophysical properties (such as structural, functional, and spatial information, amino acid conservation, physicochemical variation, residue mobility, and thermodynamic stability) indicates that this missense variant is not expected to disrupt SRCAP protein function with a negative predictive value of 80%. In summary, the available evidence is currently insufficient to determine the role of this variant in disease. Therefore, it has been classified as a Variant of Uncertain Significance.

NM_006662.3(SRCAP):c.5560C>T (p.Arg1854Cys)

Gene: SRCAP (Snf2 related CREBBP activator protein; plus strand). Cytogenetic location: 16p11.2.
Variant type: single nucleotide variant.
Coding change: c.5560C>T on transcript NM_006662.3 (MANE Select); coding-DNA position 5560, C replaced by T.
Protein change: p.Arg1854Cys; replaces arginine 1854 with cysteine.
Molecular consequence: missense variant.
Genome position (GRCh38, 1-based): chr16:30,724,984, C>T. VCF-style: chr16-30724984-C-T. GRCh37 (hg19) VCF-style: chr16-30736305-C-T.
Other names: short protein forms R1854C.
Identifiers: ClinVar variation 3622736 (VCV003622736.2).